The following is an entry in ClinVar:

NM_173598.6(KSR2):c.1513A>C (p.Asn505His)

Gene: KSR2 (kinase suppressor of ras 2; minus strand). Cytogenetic location: 12q24.22.
Variant type: single nucleotide variant.
Coding change: c.1513A>C on transcript NM_173598.6 (MANE Select); coding-DNA position 1513, A replaced by C.
Protein change: p.Asn505His; replaces asparagine 505 with histidine.
Molecular consequence: missense variant.
Genome position (GRCh38, 1-based): chr12:117,555,174, T>G on the plus strand (A>C on the coding strand, the complement: KSR2 is on the minus strand). VCF-style: chr12-117555174-T-G. GRCh37 (hg19) VCF-style: chr12-117992979-T-G.
Other names: short protein forms N505H.
Identifiers: ClinVar variation 4996596 (VCV004996596.1).

ClinVar aggregate classification (germline): Uncertain significance (1 of 4 stars; one submission).

Conditions:
KSR2-related disorder. Also called: KSR2-related condition.

Submission:

PreventionGenetics, part of Exact Sciences
Classification: Uncertain significance for KSR2-related condition. Last evaluated: 2026-06-03. Review status: criteria provided, single submitter. Criteria: ACMG Guidelines, 2015. Collection method: clinical testing. Allele origin: germline.
Comment: The KSR2 c.1426A>C variant is predicted to result in the amino acid substitution p.Asn476His. To our knowledge, this variant has not been reported in the literature or in a large population database (gnomAD), indicating this variant is rare. At this time, the clinical significance of this variant is uncertain due to the absence of conclusive functional and genetic evidence.